The following is an entry in ClinVar:

ClinVar aggregate classification (germline): Pathogenic. Review status: reviewed by expert panel (3 of 4 stars). 2 submissions from 2 submitters: Pathogenic (1). 1 of the submissions does not count toward it. Last evaluated 2016-09-08.

Conditions:
Hereditary breast ovarian cancer syndrome. Also called: Hereditary breast and ovarian cancer; BRCA1- and BRCA2-Associated Hereditary Breast and Ovarian Cancer; Hereditary breast and/or ovarian cancer syndrome; Hereditary breast and ovarian cancer syndrome; Hereditary breast and ovarian cancer syndrome (HBOC); Breast and ovarian cancer. Identifiers: Orphanet 145, MedGen C0677776, MeSH D061325, MONDO:0003582. Disease mechanism: loss of function.
Breast-ovarian cancer, familial, susceptibility to, 2 (BROVCA2). Also called: BRCA2 Hereditary Breast and Ovarian Cancer. Identifiers: Orphanet 145, MedGen C2675520, MONDO:0012933, OMIM 612555. Disease mechanism: loss of function.

Submissions (2):

Evidence-based Network for the Interpretation of Germline Mutant Alleles (ENIGMA)
Classification: Pathogenic for Breast-ovarian cancer, familial, susceptibility to, 2. Last evaluated: 2016-09-08. Review status: reviewed by expert panel. Criteria: ENIGMA BRCA1/2 Classification Criteria (2015). Collection method: curation. Allele origin: germline.
Comment: Variant allele predicted to encode a truncated non-functional protein.

Labcorp Genetics (formerly Invitae), Labcorp
Classification: Pathogenic for Hereditary breast ovarian cancer syndrome. Last evaluated: 2023-03-19. Review status: criteria provided, single submitter. Criteria: Invitae Variant Classification Sherloc (09022015). Collection method: clinical testing. Allele origin: germline. Not counted in ClinVar's aggregate classification.
Comment: This sequence change creates a premature translational stop signal (p.Ser1064*) in the BRCA2 gene. It is expected to result in an absent or disrupted protein product. Loss-of-function variants in BRCA2 are known to be pathogenic (PMID: 20104584). This variant is not present in population databases (gnomAD no frequency). This variant has not been reported in the literature in individuals affected with BRCA2-related conditions. ClinVar contains an entry for this variant (Variation ID: 220624). For these reasons, this variant has been classified as Pathogenic.

Literature cited by the submitters: PubMed 20104584 (cited by Labcorp Genetics (formerly Invitae), Labcorp).

NM_000059.4(BRCA2):c.3191C>G (p.Ser1064Ter)

Gene: BRCA2 (BRCA2 DNA repair associated; plus strand). Cytogenetic location: 13q13.1.
Variant type: single nucleotide variant.
Coding change: c.3191C>G on transcript NM_000059.4 (MANE Select); coding-DNA position 3191, C replaced by G.
Protein change: p.Ser1064Ter; replaces serine 1064 with a stop codon.
Molecular consequence: nonsense.
Genome position (GRCh38, 1-based): chr13:32,337,546, C>G. VCF-style: chr13-32337546-C-G. GRCh37 (hg19) VCF-style: chr13-32911683-C-G.
Other names: short protein forms S1064*.
Identifiers: ClinVar variation 220624 (VCV000220624.10), dbSNP rs864622609, ClinGen allele CA348662.